The following is an entry in ClinVar:

NM_001184880.2(PCDH19):c.615C>G (p.Ser205Arg)

Gene: PCDH19 (protocadherin 19; minus strand). Cytogenetic location: Xq22.1.
Variant type: single nucleotide variant.
Coding change: c.615C>G on transcript NM_001184880.2 (MANE Select); coding-DNA position 615, C replaced by G.
Protein change: p.Ser205Arg; replaces serine 205 with arginine.
Molecular consequence: missense variant.
Genome position (GRCh38, 1-based): chrX:100,407,983, G>C on the plus strand (C>G on the coding strand, the complement: PCDH19 is on the minus strand). VCF-style: chrX-100407983-G-C. GRCh37 (hg19) VCF-style: chrX-99662981-G-C.
Other names: c.615C>G, p.Ser205Arg (NM_001105243.2, NM_020766.3); short protein forms S205R.
Identifiers: ClinVar variation 2048913 (VCV002048913.6), dbSNP rs2520992129, ClinGen allele CA414009014.

ClinVar aggregate classification (germline): Uncertain significance. Review status: criteria provided, multiple submitters, no conflicts (2 of 4 stars). 2 submissions from 2 submitters: Uncertain significance (2). Last evaluated 2025-02-27.

Conditions:
Developmental and epileptic encephalopathy, 9 (DEE9). Also called: PCDH19-Related X-Linked Female-Limited Epilepsy with Mental Retardation; Early infantile epileptic encephalopathy 9; EPILEPSY, FEMALE-RESTRICTED, WITH MENTAL RETARDATION; JUBERG-HELLMAN SYNDROME. Identifiers: Orphanet 101039, Orphanet 2076, MedGen C1848137, MONDO:0010246, OMIM 300088. Disease mechanism: loss of function.

gnomAD v4.1: 1 of 1,208,473 alleles (0.000083%); highest among the groups gnomAD compares: Admixed American, 0.0022%; no homozygotes.

Submissions (2):

Dasa
Classification: Uncertain significance. Last evaluated: 2025-02-27. Review status: criteria provided, single submitter. Criteria: DASA Assertion Criteria. Collection method: clinical testing. Allele origin: germline.
Comment: NM_001184880.2(PCDH19):c.615C>G (p.Ser205Arg) is a missense variant that results in the substitution of serine with arginine. The affected residue or protein region has prior evidence supporting clinical relevance. This variant is rare in population databases. Computational prediction algorithms are consistent with a benign effect. The currently available literature and clinical evidence are not sufficient to establish a definitive association between this variant and the reported condition. Therefore, this variant is classified as a variant of uncertain significance.

Labcorp Genetics (formerly Invitae), Labcorp
Classification: Uncertain significance for Developmental and epileptic encephalopathy, 9. Last evaluated: 2022-10-13. Review status: criteria provided, single submitter. Criteria: Invitae Variant Classification Sherloc (09022015). Collection method: clinical testing. Allele origin: germline.
Comment: This variant has not been reported in the literature in individuals affected with PCDH19-related conditions. This sequence change replaces serine, which is neutral and polar, with arginine, which is basic and polar, at codon 205 of the PCDH19 protein (p.Ser205Arg). This variant is not present in population databases (gnomAD no frequency). Advanced modeling of protein sequence and biophysical properties (such as structural, functional, and spatial information, amino acid conservation, physicochemical variation, residue mobility, and thermodynamic stability) performed at Invitae indicates that this missense variant is not expected to disrupt PCDH19 protein function. In summary, the available evidence is currently insufficient to determine the role of this variant in disease. Therefore, it has been classified as a Variant of Uncertain Significance.